The following is an entry in ClinVar:

ClinVar aggregate classification (germline): Likely pathogenic (1 of 4 stars; one submission).

gnomAD v4.1: 1 of 1,614,096 alleles (0.000062%); highest among the groups gnomAD compares: Non-Finnish European, 0.000085%; no homozygotes.

Submission:

GeneDx
Classification: Likely pathogenic. Last evaluated: 2024-04-18. Review status: criteria provided, single submitter. Criteria: GeneDx Variant Classification Process June 2021. Collection method: clinical testing. Allele origin: germline. Affected: yes.
Comment: Has not been previously published as pathogenic or benign to our knowledge; Not observed at significant frequency in large population cohorts (gnomAD); Nonsense variant predicted to result in protein truncation or nonsense mediated decay in a gene for which loss of function is a known mechanism of disease

NM_004415.4(DSP):c.3728C>G (p.Ser1243Ter)

Gene: DSP (desmoplakin; plus strand). Cytogenetic location: 6p24.3.
Variant type: single nucleotide variant.
Coding change: c.3728C>G on transcript NM_004415.4 (MANE Select); coding-DNA position 3728, C replaced by G.
Protein change: p.Ser1243Ter; replaces serine 1243 with a stop codon.
Molecular consequence: nonsense. On other transcripts: intron variant (1).
Genome position (GRCh38, 1-based): chr6:7,579,918, C>G. VCF-style: chr6-7579918-C-G. GRCh37 (hg19) VCF-style: chr6-7580151-C-G.
Other names: c.3728C>G, p.Ser1243Ter (NM_001319034.2); c.3582+146C>G (NM_001008844.3); short protein forms S1243*.
Identifiers: ClinVar variation 3365861 (VCV003365861.1).
Genomic context (GRCh38, chr6:7,579,918, plus strand): 5'-AGATATCCATGCAAAAAGAGGATGATTCCAAAAATCTTAGAAACCAGCTTGATAGACTTT[C>G]AAGGGAAAATCGAGATCTGAAGGATGAAATTGTCAGGCTCAATGACAGCATCTTGCAGGC-3'